The following is an entry in ClinVar:

NM_017950.4(CCDC40):c.1163C>A (p.Ala388Glu)

Gene: CCDC40 (coiled-coil domain 40 molecular ruler complex subunit; plus strand). Cytogenetic location: 17q25.3.
Variant type: single nucleotide variant.
Coding change: c.1163C>A on transcript NM_017950.4 (MANE Select); coding-DNA position 1163, C replaced by A.
Protein change: p.Ala388Glu; replaces alanine 388 with glutamic acid.
Molecular consequence: missense variant.
Genome position (GRCh38, 1-based): chr17:80,058,497, C>A. VCF-style: chr17-80058497-C-A. GRCh37 (hg19) VCF-style: chr17-78032296-C-A.
Other names: c.1163C>A (NM_017950.3); c.1163C>A, p.Ala388Glu (NM_001243342.2, NM_001330508.2); short protein forms A388E.
Identifiers: ClinVar variation 1422958 (VCV001422958.6), dbSNP rs199948075, ClinGen allele CA8813729.
Genomic context (GRCh38, chr17:80,058,497, plus strand): 5'-GCTGGGACAGCCTCCCCACTCACTCTCTCTCTCTTTCTCCCCCGCCGCGCCCCGCAGTGG[C>A]GGCTCTGCAGACTGAGATGGAGAACTTGGCCCTGCATCTCTTCTACATGCAGAACATCGA-3'
Protein context (NP_060420.2, residues 378-398): AAANEERKKL[Ala388Glu]ALQTEMENLA

ClinVar aggregate classification (germline): Uncertain significance. Review status: criteria provided, multiple submitters, no conflicts (2 of 4 stars). 2 submissions from 2 submitters: Uncertain significance (2). Last evaluated 2025-08-13.

Conditions:
Primary ciliary dyskinesia. Also called: Ciliary dyskinesia. Identifiers: Orphanet 244, MedGen C0008780, MONDO:0016575, HP:0012265.

gnomAD v4.1: 58 of 1,613,772 alleles (0.0036%); highest among the groups gnomAD compares: Non-Finnish European, 0.0045%; no homozygotes.

Submissions (2):

Ambry Genetics
Classification: Uncertain significance for Primary ciliary dyskinesia. Last evaluated: 2025-08-13. Review status: criteria provided, single submitter. Criteria: Ambry Variant Classification Scheme 2023. Collection method: clinical testing. Allele origin: germline.

Labcorp Genetics (formerly Invitae), Labcorp
Classification: Uncertain significance for Primary ciliary dyskinesia. Last evaluated: 2024-10-30. Review status: criteria provided, single submitter. Criteria: Invitae Variant Classification Sherloc (09022015). Collection method: clinical testing. Allele origin: germline.
Comment: This sequence change replaces alanine, which is neutral and non-polar, with glutamic acid, which is acidic and polar, at codon 388 of the CCDC40 protein (p.Ala388Glu). This variant is present in population databases (rs199948075, gnomAD 0.02%). This variant has not been reported in the literature in individuals affected with CCDC40-related conditions. ClinVar contains an entry for this variant (Variation ID: 1422958). Invitae Evidence Modeling of protein sequence and biophysical properties (such as structural, functional, and spatial information, amino acid conservation, physicochemical variation, residue mobility, and thermodynamic stability) indicates that this missense variant is not expected to disrupt CCDC40 protein function with a negative predictive value of 80%. In summary, the available evidence is currently insufficient to determine the role of this variant in disease. Therefore, it has been classified as a Variant of Uncertain Significance.